The following is an entry in ClinVar:

ClinVar aggregate classification (germline): Uncertain significance (1 of 4 stars; one submission).

Conditions:
Perry syndrome. Also called: PARKINSONISM WITH ALVEOLAR HYPOVENTILATION AND MENTAL DEPRESSION. Identifiers: Orphanet 178509, MedGen C1868594, MONDO:0008201, OMIM 168605.
Amyotrophic lateral sclerosis type 1 (ALS1). Also called: AMYOTROPHIC LATERAL SCLEROSIS 1, FAMILIAL. Identifiers: Orphanet 803, MedGen C1862939, MONDO:0007103, OMIM 105400.
Neuronopathy, distal hereditary motor, type 7B. Also called: HMN VIIB; LOWER MOTOR NEURON DISEASE, DYNACTIN TYPE; Distal Hereditary Motor Neuronopathy Type 7B (dHMN7B); NEURONOPATHY, DISTAL HEREDITARY MOTOR, AUTOSOMAL DOMINANT 14; NEURONOPATHY, DISTAL HEREDITARY MOTOR, HARDING TYPE VIIB; NEUROPATHY, DISTAL HEREDITARY MOTOR, HARDING TYPE VIIB. Identifiers: Orphanet 139589, MedGen C1843315, MONDO:0011879, OMIM 607641.

Submission:

Labcorp Genetics (formerly Invitae), Labcorp
Classification: Uncertain significance for Amyotrophic lateral sclerosis type 1; Neuronopathy, distal hereditary motor, type 7B; Perry syndrome. Last evaluated: 2021-08-13. Review status: criteria provided, single submitter. Criteria: Invitae Variant Classification Sherloc (09022015). Collection method: clinical testing. Allele origin: germline.
Comment: This sequence change replaces proline with arginine at codon 1181 of the DCTN1 protein (p.Pro1181Arg). The proline residue is highly conserved and there is a moderate physicochemical difference between proline and arginine. This variant is not present in population databases (ExAC no frequency). This variant has not been reported in the literature in individuals with DCTN1-related conditions. Algorithms developed to predict the effect of missense changes on protein structure and function (SIFT, PolyPhen-2, Align-GVGD) all suggest that this variant is likely to be disruptive, but these predictions have not been confirmed by published functional studies and their clinical significance is uncertain. In summary, the available evidence is currently insufficient to determine the role of this variant in disease. Therefore, it has been classified as a Variant of Uncertain Significance.

NM_004082.5(DCTN1):c.3542C>G (p.Pro1181Arg)

Gene: DCTN1 (dynactin subunit 1; minus strand). Cytogenetic location: 2p13.1.
Variant type: single nucleotide variant.
Coding change: c.3542C>G on transcript NM_004082.5 (MANE Select); coding-DNA position 3542, C replaced by G.
Protein change: p.Pro1181Arg; replaces proline 1181 with arginine.
Molecular consequence: missense variant. On other transcripts: non-coding transcript variant (1).
Genome position (GRCh38, 1-based): chr2:74,362,717, G>C on the plus strand (C>G on the coding strand, the complement: DCTN1 is on the minus strand). VCF-style: chr2-74362717-G-C. GRCh37 (hg19) VCF-style: chr2-74589844-G-C.
Other names: c.3467C>G, p.Pro1156Arg (NM_001135040.3); c.3125C>G, p.Pro1042Arg (NM_001135041.3); c.3416C>G, p.Pro1139Arg (NM_001190836.2); c.3521C>G, p.Pro1174Arg (NM_001190837.2); c.3491C>G, p.Pro1164Arg (NM_001378991.1); c.3473C>G, p.Pro1158Arg (NM_001378992.1); c.3140C>G, p.Pro1047Arg (NM_023019.4); short protein forms P1042R, P1047R, P1156R, P1139R, P1158R, P1181R, P1164R, P1174R.
Identifiers: ClinVar variation 1430205 (VCV001430205.8), dbSNP rs1403208705, ClinGen allele CA347336928.
Genomic context (GRCh38, chr2:74,362,717, plus strand): 5'-TTCTCGACGGTGTCACTCAGGGACTTAAGCTGAGCCACTTGCTCCATAAGTTGGGCCGAC[G>C]GGCTCTTGGCAGCTGTGGGGAGAGAAAGCTGGTGAGGCCCACCAAGGCGCAGGCAGGCAG-3'
Protein context (NP_004073.2, residues 1171-1191): ITRTSPAAKS[Pro1181Arg]SAQLMEQVAQ